The following is an entry in ClinVar:

NM_004171.4(SLC1A2):c.562-2A>G

Gene: SLC1A2 (solute carrier family 1 member 2; minus strand). Cytogenetic location: 11p13.
Variant type: single nucleotide variant.
Coding change: c.562-2A>G on transcript NM_004171.4 (MANE Select); the canonical splice acceptor site of the intron before coding-DNA position 562, A replaced by G.
Molecular consequence: splice acceptor variant.
Genome position (GRCh38, 1-based): chr11:35,306,244, T>C on the plus strand (A>G on the coding strand, the complement: SLC1A2 is on the minus strand). VCF-style: chr11-35306244-T-C. GRCh37 (hg19) VCF-style: chr11-35327791-T-C.
Other names: c.535-2A>G (NM_001195728.3, NM_001252652.2).
Identifiers: ClinVar variation 2904185 (VCV002904185.5), dbSNP rs2497860964, ClinGen allele CA380128037.

ClinVar aggregate classification (germline): Uncertain significance. Review status: criteria provided, multiple submitters, no conflicts (2 of 4 stars). 2 submissions from 2 submitters: Uncertain significance (2). Last evaluated 2025-09-15.

Submissions (2):

GeneDx
Classification: Uncertain significance. Last evaluated: 2025-09-15. Review status: criteria provided, single submitter. Criteria: GeneDx Variant Classification Process June 2021. Collection method: clinical testing. Allele origin: germline. Affected: yes.
Comment: Not observed at significant frequency in large population cohorts (gnomAD); Canonical splice site variant in a gene for which loss-of-function is not an established mechanism of disease; Has not been previously published as pathogenic or benign to our knowledge

Labcorp Genetics (formerly Invitae), Labcorp
Classification: Uncertain significance. Last evaluated: 2023-04-09. Review status: criteria provided, single submitter. Criteria: Invitae Variant Classification Sherloc (09022015). Collection method: clinical testing. Allele origin: germline.
Comment: This sequence change affects an acceptor splice site in intron 4 of the SLC1A2 gene. It is expected to disrupt RNA splicing. Variants that disrupt the donor or acceptor splice site typically lead to a loss of protein function (PMID: 16199547), however the current clinical and genetic evidence is not sufficient to establish whether loss-of-function variants in SLC1A2 cause disease. In summary, the available evidence is currently insufficient to determine the role of this variant in disease. Therefore, it has been classified as a Variant of Uncertain Significance. Algorithms developed to predict the effect of sequence changes on RNA splicing suggest that this variant may disrupt the consensus splice site. This variant has not been reported in the literature in individuals affected with SLC1A2-related conditions. This variant is not present in population databases (gnomAD no frequency).

Literature cited by the submitters: PubMed 16199547 (cited by Labcorp Genetics (formerly Invitae), Labcorp).